The following is an entry in ClinVar:

NM_006947.4(SRP72):c.163C>T (p.Leu55Phe)

Gene: SRP72 (signal recognition particle 72; plus strand). Cytogenetic location: 4q12.
Variant type: single nucleotide variant.
Coding change: c.163C>T on transcript NM_006947.4 (MANE Select); coding-DNA position 163, C replaced by T.
Protein change: p.Leu55Phe; replaces leucine 55 with phenylalanine.
Molecular consequence: missense variant. On other transcripts: non-coding transcript variant (1).
Genome position (GRCh38, 1-based): chr4:56,469,706, C>T. VCF-style: chr4-56469706-C-T. GRCh37 (hg19) VCF-style: chr4-57335872-C-T.
Other names: c.163C>T, p.Leu55Phe (NM_001267722.2); short protein forms L55F.
Identifiers: ClinVar variation 4174943 (VCV004174943.2).

ClinVar aggregate classification (germline): Uncertain significance. Review status: criteria provided, multiple submitters, no conflicts (2 of 4 stars). 2 submissions from 2 submitters: Uncertain significance (2). Last evaluated 2026-01-27.

Submissions (2):

Labcorp Genetics (formerly Invitae), Labcorp
Classification: Uncertain significance. Last evaluated: 2026-01-27. Review status: criteria provided, single submitter. Criteria: Invitae Variant Classification Sherloc (09022015). Collection method: clinical testing. Allele origin: germline.
Comment: This sequence change replaces leucine, which is neutral and non-polar, with phenylalanine, which is neutral and non-polar, at codon 55 of the SRP72 protein (p.Leu55Phe). This variant is not present in population databases (gnomAD no frequency). This variant has not been reported in the literature in individuals affected with SRP72-related conditions. ClinVar contains an entry for this variant (Variation ID: 4174943). Invitae Evidence Modeling of protein sequence and biophysical properties (such as structural, functional, and spatial information, amino acid conservation, physicochemical variation, residue mobility, and thermodynamic stability) indicates that this missense variant is not expected to disrupt SRP72 protein function with a negative predictive value of 80%. In summary, the available evidence is currently insufficient to determine the role of this variant in disease. Therefore, it has been classified as a Variant of Uncertain Significance.

Ambry Genetics
Classification: Uncertain significance. Last evaluated: 2025-07-24. Review status: criteria provided, single submitter. Criteria: Ambry Variant Classification Scheme 2023. Collection method: clinical testing. Allele origin: germline.
Comment: The p.L55F variant (also known as c.163C>T), located in coding exon 2 of the SRP72 gene, results from a C to T substitution at nucleotide position 163. The leucine at codon 55 is replaced by phenylalanine, an amino acid with highly similar properties. This amino acid position is conserved. In addition, the in silico prediction for this alteration is inconclusive. Based on the available evidence, the clinical significance of this variant remains unclear.